The following is an entry in ClinVar:

NM_000191.3(HMGCL):c.704_705dup (p.Asp236fs)

Gene: HMGCL (3-hydroxy-3-methylglutaryl-CoA lyase; minus strand). Cytogenetic location: 1p36.11.
Variant type: Duplication.
Coding change: c.704_705dup on transcript NM_000191.3 (MANE Select); coding-DNA positions 704 to 705, 2 bases duplicated (AT; older notation c.704_705dupAT).
Protein change: p.Asp236fs; shifts the reading frame from aspartic acid 236.
Molecular consequence: frameshift variant.
Genome position (GRCh38, 1-based): chr1:23,808,180-23,808,181, AT duplicated on the plus strand (AT on the coding strand, the reverse complement: HMGCL is on the minus strand). VCF-style (leftmost placement, unchanged base first): chr1-23808179-C-CAT. GRCh37 (hg19) VCF-style: chr1-24134669-C-CAT.
Other names: c.491_492dup, p.Asp165fs (NM_001166059.2); short protein forms D165fs, D236fs.
Identifiers: ClinVar variation 2676031 (VCV002676031.4), dbSNP rs1226874636, ClinGen allele CA733293403.

ClinVar aggregate classification (germline): Pathogenic/Likely pathogenic. Review status: criteria provided, multiple submitters, no conflicts (2 of 4 stars). 2 submissions from 2 submitters: Pathogenic (1); Likely pathogenic (1). Last evaluated 2023-04-25.

Conditions:
Deficiency of hydroxymethylglutaryl-CoA lyase (HMGCLD). Also called: HMGCL DEFICIENCY; HYDROXYMETHYLGLUTARIC ACIDURIA; Defect in leucine metabolism; 3-hydroxy-3-methylglutaric aciduria; HMG-CoA LYASE DEFICIENCY. Identifiers: Orphanet 20, MedGen C1533587, MONDO:0009520, OMIM 246450.

Allele frequency attached by ClinVar (database versions not stated): gnomAD exomes below 0.00001; TOPMed below 0.00001; gnomAD 0.00001.

Submissions (2):

Baylor Genetics
Classification: Likely pathogenic for Deficiency of hydroxymethylglutaryl-CoA lyase. Last evaluated: 2023-04-25. Review status: criteria provided, single submitter. Criteria: ACMG Guidelines, 2015. Collection method: clinical testing. Allele origin: unknown.

Labcorp Genetics (formerly Invitae), Labcorp
Classification: Pathogenic for Deficiency of hydroxymethylglutaryl-CoA lyase. Last evaluated: 2023-01-11. Review status: criteria provided, single submitter. Criteria: Invitae Variant Classification Sherloc (09022015). Collection method: clinical testing. Allele origin: germline.
Comment: For these reasons, this variant has been classified as Pathogenic. This variant has not been reported in the literature in individuals affected with HMGCL-related conditions. This variant is not present in population databases (gnomAD no frequency). This sequence change creates a premature translational stop signal (p.Asp236Metfs*12) in the HMGCL gene. It is expected to result in an absent or disrupted protein product. Loss-of-function variants in HMGCL are known to be pathogenic (PMID: 9817922, 17692550, 23465862).

Literature cited by the submitters: PubMed 9817922 (cited by Labcorp Genetics (formerly Invitae), Labcorp); PubMed 17692550 (cited by Labcorp Genetics (formerly Invitae), Labcorp); PubMed 23465862 (cited by Labcorp Genetics (formerly Invitae), Labcorp).